The following is an entry in ClinVar:

NM_012144.4(DNAI1):c.409G>A (p.Val137Met)

Gene: DNAI1 (dynein axonemal intermediate chain 1; plus strand). Cytogenetic location: 9p13.3.
Variant type: single nucleotide variant.
Coding change: c.409G>A on transcript NM_012144.4 (MANE Select); coding-DNA position 409, G replaced by A.
Protein change: p.Val137Met; replaces valine 137 with methionine.
Molecular consequence: missense variant.
Genome position (GRCh38, 1-based): chr9:34,490,032, G>A. VCF-style: chr9-34490032-G-A. GRCh37 (hg19) VCF-style: chr9-34490030-G-A.
Other names: c.421G>A, p.Val141Met (NM_001281428.2); short protein forms V141M, V137M.
Identifiers: ClinVar variation 2197375 (VCV002197375.5), dbSNP rs1824554174, ClinGen allele CA373245663.

ClinVar aggregate classification (germline): Uncertain significance. Review status: criteria provided, multiple submitters, no conflicts (2 of 4 stars). 2 submissions from 2 submitters: Uncertain significance (2). Last evaluated 2023-09-04.

Conditions:
Primary ciliary dyskinesia. Also called: Ciliary dyskinesia. Identifiers: Orphanet 244, MedGen C0008780, MONDO:0016575, HP:0012265.

Allele frequency attached by ClinVar (database versions not stated): gnomAD exomes below 0.00001; TOPMed below 0.00001.
gnomAD v4.1: 3 of 1,614,166 alleles (0.00019%); highest among the groups gnomAD compares: Non-Finnish European, 0.00025%; no homozygotes.

Submissions (2):

Blueprint Genetics
Classification: Uncertain significance. Last evaluated: 2023-09-04. Review status: criteria provided, single submitter. Criteria: ACMG Guidelines, 2015. Collection method: clinical testing. Allele origin: germline.

Labcorp Genetics (formerly Invitae), Labcorp
Classification: Uncertain significance for Primary ciliary dyskinesia. Last evaluated: 2022-06-28. Review status: criteria provided, single submitter. Criteria: Invitae Variant Classification Sherloc (09022015). Collection method: clinical testing. Allele origin: germline.
Comment: This sequence change replaces valine, which is neutral and non-polar, with methionine, which is neutral and non-polar, at codon 137 of the DNAI1 protein (p.Val137Met). This variant is not present in population databases (gnomAD no frequency). This variant has not been reported in the literature in individuals affected with DNAI1-related conditions. Algorithms developed to predict the effect of missense changes on protein structure and function output the following: SIFT: "Tolerated"; PolyPhen-2: "Benign"; Align-GVGD: "Class C0". The methionine amino acid residue is found in multiple mammalian species, which suggests that this missense change does not adversely affect protein function. In summary, the available evidence is currently insufficient to determine the role of this variant in disease. Therefore, it has been classified as a Variant of Uncertain Significance.